The following is an entry in ClinVar:

ClinVar aggregate classification (germline): Likely benign (1 of 4 stars; one submission).

Submission:

GeneDx
Classification: Likely benign. Last evaluated: 2018-01-18. Review status: criteria provided, single submitter. Criteria: GeneDx Variant Classification (06012015). Collection method: clinical testing. Allele origin: germline. Affected: yes.
Comment: This variant is considered likely benign or benign based on one or more of the following criteria: it is a conservative change, it occurs at a poorly conserved position in the protein, it is predicted to be benign by multiple in silico algorithms, and/or has population frequency not consistent with disease.

NM_002524.5(NRAS):c.-46T>A

Genes: NRAS (NRAS proto-oncogene, GTPase; minus strand), LOC129931249 (ATAC-STARR-seq lymphoblastoid active region 1549; plus strand). Cytogenetic location: 1p13.2.
Variant type: single nucleotide variant.
Coding change: c.-46T>A on transcript NM_002524.5 (MANE Select); 46 bases upstream of the start codon, T replaced by A.
Molecular consequence: 5 prime UTR variant.
Genome position (GRCh38, 1-based): chr1:114,716,686, A>T on the plus strand (T>A on the coding strand, the complement: NRAS is on the minus strand). VCF-style: chr1-114716686-A-T. GRCh37 (hg19) VCF-style: chr1-115259307-A-T.
Other names: c.-46T>A (LRG_92t1).
Identifiers: ClinVar variation 515094 (VCV000515094.1), dbSNP rs1553244798, ClinGen allele CA658795503.
Genomic context (GRCh38, chr1:114,716,686, plus strand): 5'-AAAGCCGAACACTATGCATGAGATAAACTTACCTCAAGCTCCACTGCCTCTGCTTTGGAC[A>T]GATTTAGGACCACAGCCGGGAAAAATGTTGGAGACCCCGGAACCGCCATGAACAGCCCCC-3'